The following is an entry in ClinVar:

ClinVar aggregate classification (germline): Uncertain significance (1 of 4 stars; one submission).

gnomAD v4.1: 11 of 1,601,774 alleles (0.00069%); highest among the groups gnomAD compares: Admixed American, 0.011%; no homozygotes.

Submission:

Labcorp Genetics (formerly Invitae), Labcorp
Classification: Uncertain significance. Last evaluated: 2025-04-24. Review status: criteria provided, single submitter. Criteria: Invitae Variant Classification Sherloc (09022015). Collection method: clinical testing. Allele origin: germline.
Comment: This sequence change replaces tyrosine, which is neutral and polar, with cysteine, which is neutral and slightly polar, at codon 146 of the DNAJB11 protein (p.Tyr146Cys). This variant is present in population databases (rs775158764, gnomAD 0.02%). This variant has not been reported in the literature in individuals affected with DNAJB11-related conditions. Invitae Evidence Modeling of protein sequence and biophysical properties (such as structural, functional, and spatial information, amino acid conservation, physicochemical variation, residue mobility, and thermodynamic stability) indicates that this missense variant is not expected to disrupt DNAJB11 protein function with a negative predictive value of 80%. In summary, the available evidence is currently insufficient to determine the role of this variant in disease. Therefore, it has been classified as a Variant of Uncertain Significance.

NM_016306.6(DNAJB11):c.437A>G (p.Tyr146Cys)

Gene: DNAJB11 (DnaJ heat shock protein family (Hsp40) member B11; plus strand). Cytogenetic location: 3q27.3.
Variant type: single nucleotide variant.
Coding change: c.437A>G on transcript NM_016306.6 (MANE Select); coding-DNA position 437, A replaced by G.
Protein change: p.Tyr146Cys; replaces tyrosine 146 with cysteine.
Molecular consequence: missense variant. On other transcripts: non-coding transcript variant (5), intron variant (1).
Genome position (GRCh38, 1-based): chr3:186,577,781, A>G. VCF-style: chr3-186577781-A-G. GRCh37 (hg19) VCF-style: chr3-186295570-A-G.
Other names: c.323+1844A>G (NM_001378451.1); short protein forms Y146C.
Identifiers: ClinVar variation 4754333 (VCV004754333.1).